The following is an entry in ClinVar:

ClinVar aggregate classification (germline): Uncertain significance (1 of 4 stars; one submission).

Allele frequency attached by ClinVar (database versions not stated): TOPMed below 0.00001; ExAC 0.00001; gnomAD 0.00001; ESP Exome Variant Server 0.00008.
gnomAD v4.1: 3 of 1,613,928 alleles (0.00019%); highest among the groups gnomAD compares: African/African-American, 0.0013%; no homozygotes.

Submission:

Labcorp Genetics (formerly Invitae), Labcorp
Classification: Uncertain significance. Last evaluated: 2021-09-17. Review status: criteria provided, single submitter. Criteria: Invitae Variant Classification Sherloc (09022015). Collection method: clinical testing. Allele origin: germline.
Comment: In summary, the available evidence is currently insufficient to determine the role of this variant in disease. Therefore, it has been classified as a Variant of Uncertain Significance. Algorithms developed to predict the effect of missense changes on protein structure and function are either unavailable or do not agree on the potential impact of this missense change (SIFT: "Tolerated"; PolyPhen-2: "Possibly Damaging"; Align-GVGD: "Class C0"). This variant has not been reported in the literature in individuals affected with GRM6-related conditions. This variant is present in population databases (rs368130268, ExAC 0.002%). This sequence change replaces serine with phenylalanine at codon 393 of the GRM6 protein (p.Ser393Phe). The serine residue is highly conserved and there is a large physicochemical difference between serine and phenylalanine.

NM_000843.4(GRM6):c.1178C>T (p.Ser393Phe)

Genes: GRM6 (glutamate metabotropic receptor 6; minus strand), ZNF454 (zinc finger protein 454; plus strand). Cytogenetic location: 5q35.3.
Variant type: single nucleotide variant.
Coding change: c.1178C>T on transcript NM_000843.4 (MANE Select); coding-DNA position 1178, C replaced by T.
Protein change: p.Ser393Phe; replaces serine 393 with phenylalanine.
Molecular consequence: missense variant.
Genome position (GRCh38, 1-based): chr5:178,989,111, G>A on the plus strand (C>T on the coding strand, the complement: GRM6 is on the minus strand). VCF-style: chr5-178989111-G-A. GRCh37 (hg19) VCF-style: chr5-178416112-G-A.
Other names: short protein forms S393F.
Identifiers: ClinVar variation 1516102 (VCV001516102.6), dbSNP rs368130268, ClinGen allele CA3594159.